The following is an entry in ClinVar:

ClinVar aggregate classification (germline): Uncertain significance (1 of 4 stars; one submission).

Submission:

Labcorp Genetics (formerly Invitae), Labcorp
Classification: Uncertain significance. Last evaluated: 2020-09-10. Review status: criteria provided, single submitter. Criteria: Invitae Variant Classification Sherloc (09022015). Collection method: clinical testing. Allele origin: germline.
Comment: This sequence change replaces alanine with glycine at codon 1293 of the AHDC1 protein (p.Ala1293Gly). The alanine residue is highly conserved and there is a small physicochemical difference between alanine and glycine. This variant is not present in population databases (ExAC no frequency). This variant has not been reported in the literature in individuals with AHDC1-related conditions. Algorithms developed to predict the effect of missense changes on protein structure and function are either unavailable or do not agree on the potential impact of this missense change (SIFT: "Tolerated"; PolyPhen-2: "Possibly Damaging"; Align-GVGD: "Class C0"). In summary, the available evidence is currently insufficient to determine the role of this variant in disease. Therefore, it has been classified as a Variant of Uncertain Significance.

NM_001371928.1(AHDC1):c.3878C>G (p.Ala1293Gly)

Gene: AHDC1 (AT-hook DNA binding motif containing 1; minus strand). Cytogenetic location: 1p36.11.
Variant type: single nucleotide variant.
Coding change: c.3878C>G on transcript NM_001371928.1 (MANE Select); coding-DNA position 3878, C replaced by G.
Protein change: p.Ala1293Gly; replaces alanine 1293 with glycine.
Molecular consequence: missense variant.
Genome position (GRCh38, 1-based): chr1:27,548,238, G>C on the plus strand (C>G on the coding strand, the complement: AHDC1 is on the minus strand). VCF-style: chr1-27548238-G-C. GRCh37 (hg19) VCF-style: chr1-27874749-G-C.
Other names: c.3878C>G, p.Ala1293Gly (NM_001029882.3); short protein forms A1293G.
Identifiers: ClinVar variation 1015944 (VCV001015944.8), dbSNP rs1571228193, ClinGen allele CA339224831.
Genomic context (GRCh38, chr1:27,548,238, plus strand): 5'-CCGAGGTCAGGACTGTCCTGGAACAGTGGGTTGACTGGCTGTGGCTTGGGGATGAACTTG[G>C]CTTTGGCCGCTGCGCCACCCCGCTCCTTCTTGGCTGAGCAGGCCCCACCGCCCCGTCCAC-3'
Protein context (NP_001358857.1, residues 1283-1303): KKERGGAAAK[Ala1293Gly]KFIPKPQPVN